The following is an entry in ClinVar:

ClinVar aggregate classification (germline): Pathogenic (0 of 4 stars; one submission).

Conditions:
Neurofibromatosis, type 2 (SWNV). Also called: SCHWANNOMATOSIS, VESTIBULAR; BILATERAL ACOUSTIC NEUROFIBROMATOSIS; NF2-Related Schwannomatosis. Identifiers: Orphanet 637, MedGen C0027832, MONDO:0007039, OMIM 101000. Disease mechanism: loss of function.

Submission:

Cell and Gene Engineering Laboratory, Zhejiang University
Classification: Pathogenic for Neurofibromatosis, type 2. Review status: no assertion criteria provided. Collection method: clinical testing. Allele origin: paternal. Inheritance: Autosomal dominant inheritance. Affected: yes. Observed: 1 heterozygote.
Comment: Loss of heterozygosity

NM_000268.4(NF2):c.770_784del (p.Pro257_Ile261del)

Gene: NF2 (NF2, moesin-ezrin-radixin like (MERLIN) tumor suppressor; plus strand). Cytogenetic location: 22q12.2.
Variant type: Deletion.
Coding change: c.770_784del on transcript NM_000268.4 (MANE Select); coding-DNA positions 770 to 784, 15 bases deleted (CGTGGAATGAAATCC).
Protein change: p.Pro257_Ile261del.
Molecular consequence: inframe deletion. On other transcripts: non-coding transcript variant (1), intron variant (1).
Genome position (GRCh38, 1-based): chr22:29,661,299-29,661,313, CGTGGAATGAAATCC deleted; deleting any 15 consecutive bases within chr22:29,661,296-29,661,313 gives the same sequence; the c. name uses the placement nearest the transcript's 3' end. VCF-style (leftmost placement, unchanged base first): chr22-29661295-TTCCCGTGGAATGAAA-T. GRCh37 (hg19) VCF-style: chr22-30057284-TTCCCGTGGAATGAAA-T.
Other names: c.770_784del, p.Pro257_Ile261del (NM_016418.5, NM_181825.3, NM_181832.3); c.644_658del, p.Pro215_Ile219del (NM_181828.3); c.647_661del, p.Pro216_Ile220del (NM_181829.3); c.521_535del, p.Pro174_Ile178del (NM_181830.3, NM_181831.3); c.447+19014_447+19028del (NM_181833.3); c.769_783del (NM_000268.4).
Identifiers: ClinVar variation 1299301 (VCV001299301.3), dbSNP rs2147010188, ClinGen allele CA2499226124.